The following is an entry in ClinVar:

ClinVar aggregate classification (germline): Uncertain significance. Review status: criteria provided, multiple submitters, no conflicts (2 of 4 stars). 2 submissions from 2 submitters: Uncertain significance (2). Last evaluated 2025-10-20.

Conditions:
Hereditary nonpolyposis colorectal neoplasms. Identifiers: MedGen C0009405, MeSH D003123.

Submissions (2):

Labcorp Genetics (formerly Invitae), Labcorp
Classification: Uncertain significance for Hereditary nonpolyposis colorectal neoplasms. Last evaluated: 2025-10-20. Review status: criteria provided, single submitter. Criteria: Invitae Variant Classification Sherloc (09022015). Collection method: clinical testing. Allele origin: germline.
Comment: This sequence change replaces asparagine, which is neutral and polar, with serine, which is neutral and polar, at codon 1020 of the MSH6 protein (p.Asn1020Ser). This variant is not present in population databases (gnomAD no frequency). This variant has not been reported in the literature in individuals affected with MSH6-related conditions. ClinVar contains an entry for this variant (Variation ID: 1006155). Invitae Evidence Modeling of protein sequence and biophysical properties (such as structural, functional, and spatial information, amino acid conservation, physicochemical variation, residue mobility, and thermodynamic stability) indicates that this missense variant is not expected to disrupt MSH6 protein function with a negative predictive value of 95%. In summary, the available evidence is currently insufficient to determine the role of this variant in disease. Therefore, it has been classified as a Variant of Uncertain Significance.

Center for Genomic Medicine, Rigshospitalet, Copenhagen University Hospital
Classification: Uncertain significance. Last evaluated: 2025-03-04. Review status: criteria provided, single submitter. Criteria: ACMG Guidelines, 2015. Collection method: clinical testing. Allele origin: germline.

NM_000179.3(MSH6):c.3059A>G (p.Asn1020Ser)

Gene: MSH6 (mutS homolog 6; plus strand). Cytogenetic location: 2p16.3.
Variant type: single nucleotide variant.
Coding change: c.3059A>G on transcript NM_000179.3 (MANE Select); coding-DNA position 3059, A replaced by G.
Protein change: p.Asn1020Ser; replaces asparagine 1020 with serine.
Molecular consequence: missense variant.
Genome position (GRCh38, 1-based): chr2:47,801,042, A>G. VCF-style: chr2-47801042-A-G. GRCh37 (hg19) VCF-style: chr2-48028181-A-G.
Other names: c.2669A>G, p.Asn890Ser (NM_001281492.2); c.2153A>G, p.Asn718Ser (NM_001281493.2, NM_001281494.2); short protein forms N1020S, N718S, N890S.
Identifiers: ClinVar variation 1006155 (VCV001006155.10), dbSNP rs1669544206, ClinGen allele CA346756521.
Genomic context (GRCh38, chr2:47,801,042, plus strand): 5'-AGAAGGGCTGTAAACGATACTGGACCAAAACTATTGAAAAGAAGTTGGCTAATCTCATAA[A>G]TGCTGAAGAACGGAGGGATGTATCATTGAAGGACTGCATGCGGCGACTGTTCTATAACTT-3'
Protein context (NP_000170.1, residues 1010-1030): TIEKKLANLI[Asn1020Ser]AEERRDVSLK